The following is an entry in ClinVar:

NM_138927.4(SON):c.4847C>T (p.Thr1616Ile)

Gene: SON (SON DNA and RNA binding protein; plus strand). Cytogenetic location: 21q22.11.
Variant type: single nucleotide variant.
Coding change: c.4847C>T on transcript NM_138927.4 (MANE Select); coding-DNA position 4847, C replaced by T.
Protein change: p.Thr1616Ile; replaces threonine 1616 with isoleucine.
Molecular consequence: missense variant. On other transcripts: non-coding transcript variant (1), intron variant (1).
Genome position (GRCh38, 1-based): chr21:33,554,078, C>T. VCF-style: chr21-33554078-C-T. GRCh37 (hg19) VCF-style: chr21-34926384-C-T.
Other names: c.4847C>T, p.Thr1616Ile (NM_001291411.2, NM_001412133.1, NM_032195.3 and 2 more transcripts); c.245-3078C>T (NM_001291412.3); short protein forms T1616I.
Identifiers: ClinVar variation 1927235 (VCV001927235.5), dbSNP rs2517384933, ClinGen allele CA410163507.
Genomic context (GRCh38, chr21:33,554,078, plus strand): 5'-CTGGTCCTTTTGCTCTGGAACCTGATGCAACAGGAACTAGTAAGGGTATTGAATTTACCA[C>T]AGCATCTACTCTCAGTTTAGTTAATAAATATGATGTTGATTTATCTTTAACTACTCAAGA-3'
Protein context (NP_620305.3, residues 1606-1626): TGTSKGIEFT[Thr1616Ile]ASTLSLVNKY

ClinVar aggregate classification (germline): Uncertain significance (1 of 4 stars; one submission).

Allele frequency attached by ClinVar (database versions not stated): gnomAD exomes below 0.00001.

Submission:

Labcorp Genetics (formerly Invitae), Labcorp
Classification: Uncertain significance. Last evaluated: 2025-03-30. Review status: criteria provided, single submitter. Criteria: Invitae Variant Classification Sherloc (09022015). Collection method: clinical testing. Allele origin: germline.
Comment: This sequence change replaces threonine, which is neutral and polar, with isoleucine, which is neutral and non-polar, at codon 1616 of the SON protein (p.Thr1616Ile). This variant is not present in population databases (gnomAD no frequency). This variant has not been reported in the literature in individuals affected with SON-related conditions. ClinVar contains an entry for this variant (Variation ID: 1927235). An algorithm developed to predict the effect of missense changes on protein structure and function (PolyPhen-2) suggests that this variant is likely to be disruptive. In summary, the available evidence is currently insufficient to determine the role of this variant in disease. Therefore, it has been classified as a Variant of Uncertain Significance.